The following is an entry in ClinVar:

ClinVar aggregate classification (germline): Uncertain significance. Review status: criteria provided, multiple submitters, no conflicts (2 of 4 stars). 2 submissions from 2 submitters: Uncertain significance (2). Last evaluated 2026-07-09.

Conditions:
Cardiovascular phenotype. Identifiers: MedGen CN230736.
Myofibrillar myopathy 4. Also called: Zaspopathy (type). Identifiers: Orphanet 98912, MedGen C4721886, MONDO:0012277, OMIM 609452.

Submissions (2):

Ambry Genetics
Classification: Uncertain significance for Cardiovascular phenotype. Last evaluated: 2026-07-09. Review status: criteria provided, single submitter. Criteria: Ambry Variant Classification Scheme 2023. Collection method: clinical testing. Allele origin: germline.
Comment: The p.G54R variant (also known as c.160G>C), located in coding exon 2 of the LDB3 gene, results from a G to C substitution at nucleotide position 160. The glycine at codon 54 is replaced by arginine, an amino acid with dissimilar properties. This amino acid position is conserved. In addition, this alteration is predicted to be deleterious by in silico analysis. Based on the available evidence, the clinical significance of this variant remains unclear.

Labcorp Genetics (formerly Invitae), Labcorp
Classification: Uncertain significance for Myofibrillar myopathy 4. Last evaluated: 2024-02-24. Review status: criteria provided, single submitter. Criteria: Invitae Variant Classification Sherloc (09022015). Collection method: clinical testing. Allele origin: germline.
Comment: This sequence change replaces glycine, which is neutral and non-polar, with arginine, which is basic and polar, at codon 54 of the LDB3 protein (p.Gly54Arg). This variant is not present in population databases (gnomAD no frequency). This variant has not been reported in the literature in individuals affected with LDB3-related conditions. ClinVar contains an entry for this variant (Variation ID: 1464423). An algorithm developed to predict the effect of missense changes on protein structure and function (PolyPhen-2) suggests that this variant is likely to be disruptive. In summary, the available evidence is currently insufficient to determine the role of this variant in disease. Therefore, it has been classified as a Variant of Uncertain Significance.

NM_007078.3(LDB3):c.160G>C (p.Gly54Arg)

Gene: LDB3 (LIM domain binding 3; plus strand). Cytogenetic location: 10q23.2.
Variant type: single nucleotide variant.
Coding change: c.160G>C on transcript NM_007078.3 (MANE Select); coding-DNA position 160, G replaced by C.
Protein change: p.Gly54Arg; replaces glycine 54 with arginine.
Molecular consequence: missense variant.
Genome position (GRCh38, 1-based): chr10:86,679,433, G>C. VCF-style: chr10-86679433-G-C. GRCh37 (hg19) VCF-style: chr10-88439190-G-C.
Other names: c.160G>C, p.Gly54Arg (NM_001080114.2, NM_001080115.2, NM_001080116.1 and 8 more transcripts); c.160G>C (NM_007078.2); short protein forms G54R.
Identifiers: ClinVar variation 1464423 (VCV001464423.7), dbSNP rs201786090, ClinGen allele CA377451271.